The following is an entry in ClinVar:

NM_017617.5(NOTCH1):c.3086C>T (p.Pro1029Leu)

Gene: NOTCH1 (notch receptor 1; minus strand). Cytogenetic location: 9q34.3.
Variant type: single nucleotide variant.
Coding change: c.3086C>T on transcript NM_017617.5 (MANE Select); coding-DNA position 3086, C replaced by T.
Protein change: p.Pro1029Leu; replaces proline 1029 with leucine.
Molecular consequence: missense variant.
Genome position (GRCh38, 1-based): chr9:136,508,955, G>A on the plus strand (C>T on the coding strand, the complement: NOTCH1 is on the minus strand). VCF-style: chr9-136508955-G-A. GRCh37 (hg19) VCF-style: chr9-139403407-G-A.
Other names: short protein forms P1029L.
Identifiers: ClinVar variation 3368674 (VCV003368674.1).

ClinVar aggregate classification (germline): Uncertain significance (1 of 4 stars; one submission).

Submission:

GeneDx
Classification: Uncertain significance. Last evaluated: 2024-02-01. Review status: criteria provided, single submitter. Criteria: GeneDx Variant Classification Process June 2021. Collection method: clinical testing. Allele origin: germline. Affected: yes.
Comment: Not observed at significant frequency in large population cohorts (gnomAD); In silico analysis supports that this missense variant has a deleterious effect on protein structure/function; Has not been previously published as pathogenic or benign to our knowledge